The following is an entry in ClinVar:

NM_014727.3(KMT2B):c.4618dup (p.Tyr1540fs)

Gene: KMT2B (lysine methyltransferase 2B; plus strand). Cytogenetic location: 19q13.12.
Variant type: Duplication.
Coding change: c.4618dup on transcript NM_014727.3 (MANE Select); coding-DNA position 4618, one base duplicated (T; older notation c.4618dupT).
Protein change: p.Tyr1540fs; shifts the reading frame from tyrosine 1540.
Molecular consequence: frameshift variant.
Genome position (GRCh38, 1-based): chr19:35,728,820, T duplicated. VCF-style (leftmost placement, unchanged base first): chr19-35728819-C-CT. GRCh37 (hg19) VCF-style: chr19-36219720-C-CT.
Other names: short protein forms Y1540fs.
Identifiers: ClinVar variation 3653473 (VCV003653473.2).
Genomic context (GRCh38, chr19:35,728,819, plus strand): 5'-CCTGCCTGTCCACAGCGGAGTCCTTCCCAATGCGGTGTTGCCCCCATCCCTGGATCATGT[C>CT]TATGCGCAGTGGAGACAGCAGGAACCAGAGACCCCAGAATCAGGGCAGCCTCCAGGGGAT-3'

ClinVar aggregate classification (germline): Pathogenic (1 of 4 stars; one submission).

Submission:

Labcorp Genetics (formerly Invitae), Labcorp
Classification: Pathogenic. Last evaluated: 2024-05-15. Review status: criteria provided, single submitter. Criteria: Invitae Variant Classification Sherloc (09022015). Collection method: clinical testing. Allele origin: germline.
Comment: This sequence change creates a premature translational stop signal (p.Tyr1540Leufs*138) in the KMT2B gene. It is expected to result in an absent or disrupted protein product. Loss-of-function variants in KMT2B are known to be pathogenic (PMID: 27839873, 27992417). This variant is not present in population databases (gnomAD no frequency). This variant has not been reported in the literature in individuals affected with KMT2B-related conditions. Algorithms developed to predict the effect of sequence changes on RNA splicing suggest that this variant may disrupt the consensus splice site. For these reasons, this variant has been classified as Pathogenic.

Literature cited by the submitters: PubMed 27839873; PubMed 27992417.